The following is an entry in ClinVar:

NM_000059.4(BRCA2):c.8037_8039del (p.Asp2680del)

Gene: BRCA2 (BRCA2 DNA repair associated; plus strand). Cytogenetic location: 13q13.1.
Variant type: Deletion.
Coding change: c.8037_8039del on transcript NM_000059.4 (MANE Select); coding-DNA positions 8037 to 8039, 3 bases deleted (TGA; older notation c.8037_8039delTGA).
Protein change: p.Asp2680del; deletes aspartic acid 2680.
Molecular consequence: inframe deletion. On other transcripts: non-coding transcript variant (1).
Genome position (GRCh38, 1-based): chr13:32,363,239-32,363,241, TGA deleted; deleting any 3 consecutive bases within chr13:32,363,237-32,363,241 gives the same sequence; the c. name uses the placement nearest the transcript's 3' end. VCF-style (leftmost placement, unchanged base first): chr13-32363236-GGAT-G. GRCh37 (hg19) VCF-style: chr13-32937373-GGAT-G.
Other names: c.7941_7943del, p.Asp2648del (NM_001406719.1); c.8037_8039del, p.Asp2680del (NM_001406720.1); c.3105_3107del, p.Asp1036del (NM_001406721.1); c.1620_1622del, p.Asp541del (NM_001406722.1); short protein forms D2648del, D1036del, D2680del, D541del.
Identifiers: ClinVar variation 2906155 (VCV002906155.3), dbSNP rs2548546257, ClinGen allele CA2739277540.

ClinVar aggregate classification (germline): Uncertain significance (1 of 4 stars; one submission).

Conditions:
Hereditary breast ovarian cancer syndrome. Also called: Hereditary breast and ovarian cancer syndrome; BRCA1- and BRCA2-Associated Hereditary Breast and Ovarian Cancer; Breast and ovarian cancer; Hereditary breast and ovarian cancer; Hereditary breast and ovarian cancer syndrome (HBOC); Hereditary breast and/or ovarian cancer syndrome. Identifiers: Orphanet 145, MedGen C0677776, MeSH D061325, MONDO:0003582. Disease mechanism: loss of function.

Submission:

Labcorp Genetics (formerly Invitae), Labcorp
Classification: Uncertain significance for Hereditary breast ovarian cancer syndrome. Last evaluated: 2022-11-23. Review status: criteria provided, single submitter. Criteria: Invitae Variant Classification Sherloc (09022015). Collection method: clinical testing. Allele origin: germline.
Comment: In summary, the available evidence is currently insufficient to determine the role of this variant in disease. Therefore, it has been classified as a Variant of Uncertain Significance. Experimental studies and prediction algorithms are not available or were not evaluated, and the functional significance of this variant is currently unknown. This variant has not been reported in the literature in individuals affected with BRCA2-related conditions. This variant is not present in population databases (gnomAD no frequency). This variant, c.8037_8039del, results in the deletion of 1 amino acid(s) of the BRCA2 protein (p.Asp2680del), but otherwise preserves the integrity of the reading frame.